The following is an entry in ClinVar:

NM_000204.5(CFI):c.1429G>T (p.Asp477Tyr)

Gene: CFI (complement factor I; minus strand). Cytogenetic location: 4q25.
Variant type: single nucleotide variant.
Coding change: c.1429G>T on transcript NM_000204.5 (MANE Select); coding-DNA position 1429, G replaced by T.
Protein change: p.Asp477Tyr; replaces aspartic acid 477 with tyrosine.
Molecular consequence: missense variant. On other transcripts: non-coding transcript variant (2).
Genome position (GRCh38, 1-based): chr4:109,746,222, C>A on the plus strand (G>T on the coding strand, the complement: CFI is on the minus strand). VCF-style: chr4-109746222-C-A. GRCh37 (hg19) VCF-style: chr4-110667378-C-A.
Other names: c.1453G>T, p.Asp485Tyr (NM_001318057.2, NM_001375278.1); c.1408G>T, p.Asp470Tyr (NM_001331035.2, NM_001375280.1, NM_001375282.1); c.1429G>T, p.Asp477Tyr (NM_001375279.1, NM_001375281.1); c.1372G>T, p.Asp458Tyr (NM_001375283.1); c.820G>T, p.Asp274Tyr (NM_001375284.1); short protein forms D274Y, D470Y, D485Y, D458Y, D477Y.
Identifiers: ClinVar variation 3725431 (VCV003725431.2).

ClinVar aggregate classification (germline): Uncertain significance (1 of 4 stars; one submission).

Submission:

Labcorp Genetics (formerly Invitae), Labcorp
Classification: Uncertain significance. Last evaluated: 2025-03-26. Review status: criteria provided, single submitter. Criteria: Invitae Variant Classification Sherloc (09022015). Collection method: clinical testing. Allele origin: germline.
Comment: This sequence change replaces aspartic acid, which is acidic and polar, with tyrosine, which is neutral and polar, at codon 477 of the CFI protein (p.Asp477Tyr). This variant also falls at the last nucleotide of exon 11, which is part of the consensus splice site for this exon. This variant is not present in population databases (gnomAD no frequency). This variant has not been reported in the literature in individuals affected with CFI-related conditions. An algorithm developed to predict the effect of missense changes on protein structure and function (PolyPhen-2) suggests that this variant is likely to be tolerated. Variants that disrupt the consensus splice site are a relatively common cause of aberrant splicing (PMID: 17576681, 9536098). Algorithms developed to predict the effect of sequence changes on RNA splicing suggest that this variant may disrupt the consensus splice site. In summary, the available evidence is currently insufficient to determine the role of this variant in disease. Therefore, it has been classified as a Variant of Uncertain Significance.

Literature cited by the submitters: PubMed 17576681; PubMed 9536098.